The following is an entry in ClinVar:

NM_006440.5(TXNRD2):c.1342G>T (p.Val448Leu)

Gene: TXNRD2 (thioredoxin reductase 2; minus strand). Cytogenetic location: 22q11.21.
Variant type: single nucleotide variant.
Coding change: c.1342G>T on transcript NM_006440.5 (MANE Select); coding-DNA position 1342, G replaced by T.
Protein change: p.Val448Leu; replaces valine 448 with leucine.
Molecular consequence: missense variant. On other transcripts: non-coding transcript variant (1).
Genome position (GRCh38, 1-based): chr22:19,878,371, C>A on the plus strand (G>T on the coding strand, the complement: TXNRD2 is on the minus strand). VCF-style: chr22-19878371-C-A. GRCh37 (hg19) VCF-style: chr22-19865894-C-A.
Other names: c.1339G>T, p.Val447Leu (NM_001352300.2); c.1252G>T, p.Val418Leu (NM_001352301.2); c.1054G>T, p.Val352Leu (NM_001352302.2); short protein forms V352L, V418L, V447L, V448L.
Identifiers: ClinVar variation 2579934 (VCV002579934.1), dbSNP rs953805989, ClinGen allele CA410692105.

ClinVar aggregate classification (germline): Uncertain significance (1 of 4 stars; one submission).

gnomAD v4.1: 3 of 1,613,848 alleles (0.00019%); highest among the groups gnomAD compares: Admixed American, 0.005%; no homozygotes.

Submission:

GeneDx
Classification: Uncertain significance. Last evaluated: 2023-03-15. Review status: criteria provided, single submitter. Criteria: GeneDx Variant Classification Process June 2021. Collection method: clinical testing. Allele origin: germline. Affected: yes.
Comment: Not observed at significant frequency in large population cohorts (gnomAD); In silico analysis supports that this missense variant does not alter protein structure/function; Has not been previously published as pathogenic or benign to our knowledge